The following is an entry in ClinVar:

NM_000329.3(RPE65):c.1531A>C (p.Ser511Arg)

Gene: RPE65 (retinoid isomerohydrolase RPE65; minus strand). Cytogenetic location: 1p31.3.
Variant type: single nucleotide variant.
Coding change: c.1531A>C on transcript NM_000329.3 (MANE Select); coding-DNA position 1531, A replaced by C.
Protein change: p.Ser511Arg; replaces serine 511 with arginine.
Molecular consequence: missense variant.
Genome position (GRCh38, 1-based): chr1:68,429,847, T>G on the plus strand (A>C on the coding strand, the complement: RPE65 is on the minus strand). VCF-style: chr1-68429847-T-G. GRCh37 (hg19) VCF-style: chr1-68895530-T-G.
Other names: c.1423A>C, p.Ser475Arg (NM_001406853.1); c.1255A>C, p.Ser419Arg (NM_001406856.1, NM_001406857.1); short protein forms S511R, S475R, S419R.
Identifiers: ClinVar variation 4783047 (VCV004783047.1).
Genomic context (GRCh38, chr1:68,429,847, plus strand): 5'-TGAACAGTCCATGAAAGGTGACAGGGATGTTAATCTCCACTTCAGCCCGGGCAACTTCAC[T>G]TAAGTCCTTGGCATTCAGAATCAGGAGATAAGCAGGCTTTTGTCCTGCTCCTGGGCTCAC-3'
Protein context (NP_000320.1, residues 501-521): YLLILNAKDL[Ser511Arg]EVARAEVEIN

ClinVar aggregate classification (germline): Uncertain significance (1 of 4 stars; one submission).

Conditions:
Leber congenital amaurosis 2 (LCA2). Also called: AMAUROSIS CONGENITA OF LEBER II; Autosomal Recessive RPE65-Related Retinal Degeneration. Identifiers: Orphanet 65, MedGen C1859844, MONDO:0008765, OMIM 204100. Disease mechanism: loss of function.
Retinitis pigmentosa 20 (RP20). Identifiers: Orphanet 791, MedGen C3151086, MONDO:0013425, OMIM 613794.

Submission:

Labcorp Genetics (formerly Invitae), Labcorp
Classification: Uncertain significance for Leber congenital amaurosis 2; Retinitis pigmentosa 20. Last evaluated: 2025-04-04. Review status: criteria provided, single submitter. Criteria: Invitae Variant Classification Sherloc (09022015). Collection method: clinical testing. Allele origin: germline.
Comment: This sequence change replaces serine, which is neutral and polar, with arginine, which is basic and polar, at codon 511 of the RPE65 protein (p.Ser511Arg). This variant is not present in population databases (gnomAD no frequency). This variant has not been reported in the literature in individuals affected with RPE65-related conditions. Invitae Evidence Modeling of protein sequence and biophysical properties (such as structural, functional, and spatial information, amino acid conservation, physicochemical variation, residue mobility, and thermodynamic stability) indicates that this missense variant is not expected to disrupt RPE65 protein function with a negative predictive value of 80%. In summary, the available evidence is currently insufficient to determine the role of this variant in disease. Therefore, it has been classified as a Variant of Uncertain Significance.